The following is an entry in ClinVar:

NM_001174150.2(ARL13B):c.*1_*4delACAA

Gene: ARL13B (ARF like GTPase 13B; plus strand). Cytogenetic location: 3q11.2.
Variant type: Deletion.
Coding change: c.*1_*4delACAA on transcript NM_001174150.2 (MANE Select); 1 bases downstream of the stop codon through 4 bases downstream of the stop codon, 4 bases deleted (ACAA).
Molecular consequence: no sequence alteration. On other transcripts: non-coding transcript variant (2).
Genome position (GRCh38, 1-based): chr3:94,053,264-94,053,267, ACAA deleted; deleting any 4 consecutive bases within chr3:94,053,262-94,053,267 gives the same sequence; the c. name uses the placement nearest the transcript's 3' end. VCF-style (leftmost placement, unchanged base first): chr3-94053261-TAAAC-T. GRCh37 (hg19) VCF-style: chr3-93772105-TAAAC-T.
Other names: c.*1_*4delACAA (NM_001174151.2, NM_001321328.2, NM_001410782.1 and 2 more transcripts).
Identifiers: ClinVar variation 1967016 (VCV001967016.5), dbSNP rs2077095005, ClinGen allele CA1385109091.
Genomic context (GRCh38, chr3:94,053,261, plus strand): 5'-CCACTGCCTCCCCTGGCTGTGCCACAGCGACCTAACAGTGATGCTCATGATGTGATCTCA[TAAAC>T]AAGACGTATGGAGGAGTTCTCTTAATATCAGCAAGGTGAACTGGGACATTCTTCTTTCTC-3'

ClinVar aggregate classification (germline): Uncertain significance (1 of 4 stars; one submission).

Conditions:
Joubert syndrome 8 (JBTS8). Identifiers: Orphanet 475, MedGen C2676771, MONDO:0012855, OMIM 612291.

Submission:

Labcorp Genetics (formerly Invitae), Labcorp
Classification: Uncertain significance for Joubert syndrome 8. Last evaluated: 2022-04-28. Review status: criteria provided, single submitter. Criteria: Invitae Variant Classification Sherloc (09022015). Collection method: clinical testing. Allele origin: germline.
Comment: In summary, the available evidence is currently insufficient to determine the role of this variant in disease. Therefore, it has been classified as a Variant of Uncertain Significance. Experimental studies and prediction algorithms are not available or were not evaluated, and the functional significance of this variant is currently unknown. This variant has not been reported in the literature in individuals affected with ARL13B-related conditions. This variant is not present in population databases (gnomAD no frequency). This variant occurs in a non-coding region of the ARL13B gene. It does not change the encoded amino acid sequence of the ARL13B protein.